The following is an entry in ClinVar:

ClinVar aggregate classification (germline): Uncertain significance (1 of 4 stars; one submission).

Submission:

Ambry Genetics
Classification: Uncertain significance. Last evaluated: 2025-04-17. Review status: criteria provided, single submitter. Criteria: Ambry Variant Classification Scheme 2023. Collection method: clinical testing. Allele origin: germline.
Comment: The p.I100S variant (also known as c.299T>G), located in coding exon 1 of the MLH3 gene, results from a T to G substitution at nucleotide position 299. The isoleucine at codon 100 is replaced by serine, an amino acid with dissimilar properties. This amino acid position is conserved. In addition, this alteration is predicted to be deleterious by in silico analysis. Based on the available evidence, the clinical significance of this variant remains unclear.

NM_001040108.2(MLH3):c.299T>G (p.Ile100Ser)

Gene: MLH3 (mutL homolog 3; minus strand). Cytogenetic location: 14q24.3.
Variant type: single nucleotide variant.
Coding change: c.299T>G on transcript NM_001040108.2 (MANE Select); coding-DNA position 299, T replaced by G.
Protein change: p.Ile100Ser; replaces isoleucine 100 with serine.
Molecular consequence: missense variant.
Genome position (GRCh38, 1-based): chr14:75,049,357, A>C on the plus strand (T>G on the coding strand, the complement: MLH3 is on the minus strand). VCF-style: chr14-75049357-A-C. GRCh37 (hg19) VCF-style: chr14-75516060-A-C.
Other names: c.299T>G, p.Ile100Ser (NM_014381.3); short protein forms I100S.
Identifiers: ClinVar variation 4055486 (VCV004055486.1).